The following is an entry in ClinVar:

ClinVar aggregate classification (germline): Likely pathogenic (1 of 4 stars; one submission).

Conditions:
Kabuki syndrome 1 (KABUK1). Also called: KMT2D-Related Kabuki Syndrome. Identifiers: Orphanet 2322, MedGen CN030661, MONDO:0007843, OMIM 147920.

Submission:

Variantyx, Inc.
Classification: Likely pathogenic for Kabuki syndrome 1. Last evaluated: 2025-06-07. Review status: criteria provided, single submitter. Criteria: Variantyx Assertion Criteria 2022. Collection method: clinical testing. Allele origin: germline. Inheritance: Autosomal dominant inheritance. Affected: yes.
Comment: This is a frameshift variant in the KMT2D gene (OMIM: 602113). Pathogenic variants in this gene have been associated with autosomal dominant Kabuki syndrome 1. This variant has not been reported in individuals with KMT2D-related disorders in the databases available for review and it is absent from control populations (PM2). This variant introduces a premature termination codon in exon 11 out of 55 and is expected to result in loss of function, which is a known disease mechanism for KMT2D in this disorder (PMID: 20711175, 21671394, 21607748) (PVS1). Based on the current evidence, this variant is classified as likely pathogenic for autosomal dominant Kabuki syndrome 1.

Literature cited by the submitters: PubMed 20711175; PubMed 21671394; PubMed 21607748.

NM_003482.4(KMT2D):c.2265del (p.Pro756fs)

Gene: KMT2D (lysine methyltransferase 2D; minus strand). Cytogenetic location: 12q13.12.
Variant type: Deletion.
Coding change: c.2265del on transcript NM_003482.4 (MANE Select); coding-DNA position 2265, one base deleted (G; older notation c.2265delG).
Protein change: p.Pro756fs; shifts the reading frame from proline 756.
Molecular consequence: frameshift variant.
Genome position (GRCh38, 1-based): chr12:49,051,418, C deleted on the plus strand (G on the coding strand, the reverse complement: KMT2D is on the minus strand); the first of 2 consecutive C bases (chr12:49,051,418-49,051,419); deleting either gives the same sequence. VCF-style (leftmost placement, unchanged base first): chr12-49051417-GC-G. GRCh37 (hg19) VCF-style: chr12-49445200-GC-G.
Other names: short protein forms P756fs.
Identifiers: ClinVar variation 4850175 (VCV004850175.1).